The following is an entry in ClinVar:

NM_001035.3(RYR2):c.1196T>C (p.Met399Thr)

Gene: RYR2 (ryanodine receptor 2; plus strand). Cytogenetic location: 1q43.
Variant type: single nucleotide variant.
Coding change: c.1196T>C on transcript NM_001035.3 (MANE Select); coding-DNA position 1196, T replaced by C.
Protein change: p.Met399Thr; replaces methionine 399 with threonine.
Molecular consequence: missense variant.
Genome position (GRCh38, 1-based): chr1:237,445,426, T>C. VCF-style: chr1-237445426-T-C. GRCh37 (hg19) VCF-style: chr1-237608726-T-C.
Other names: short protein forms M399T.
Identifiers: ClinVar variation 839812 (VCV000839812.11), dbSNP rs1708243535, ClinGen allele CA345377470.

ClinVar aggregate classification (germline): Uncertain significance (1 of 4 stars; one submission).

Conditions:
Catecholaminergic polymorphic ventricular tachycardia 1. Also called: VENTRICULAR TACHYCARDIA, CATECHOLAMINERGIC POLYMORPHIC, 1, WITH OR WITHOUT ATRIAL DYSFUNCTION AND/OR DILATED CARDIOMYOPATHY; VENTRICULAR TACHYCARDIA, STRESS-INDUCED POLYMORPHIC 1; RYR2-Related Catecholaminergic Polymorphic Ventricular Tachycardia. Identifiers: Orphanet 3286, MedGen C1631597, MONDO:0011484, OMIM 604772.

Allele frequency attached by ClinVar (database versions not stated): gnomAD exomes below 0.00001.
gnomAD v4.1: 1 of 1,613,658 alleles (0.000062%); highest among the groups gnomAD compares: Non-Finnish European, 0.000085%; no homozygotes.

Submission:

Labcorp Genetics (formerly Invitae), Labcorp
Classification: Uncertain significance for Catecholaminergic polymorphic ventricular tachycardia 1. Last evaluated: 2019-04-18. Review status: criteria provided, single submitter. Criteria: Invitae Variant Classification Sherloc (09022015). Collection method: clinical testing. Allele origin: germline.
Comment: In summary, the available evidence is currently insufficient to determine the role of this variant in disease. Therefore, it has been classified as a Variant of Uncertain Significance. Algorithms developed to predict the effect of missense changes on protein structure and function (SIFT, PolyPhen-2, Align-GVGD) all suggest that this variant is likely to be disruptive, but these predictions have not been confirmed by published functional studies and their clinical significance is uncertain. This variant has not been reported in the literature in individuals with RYR2-related conditions. This variant is not present in population databases (ExAC no frequency). This sequence change replaces methionine with threonine at codon 399 of the RYR2 protein (p.Met399Thr). The methionine residue is highly conserved and there is a moderate physicochemical difference between methionine and threonine.